The following is an entry in ClinVar:

NM_001042492.3(NF1):c.6378C>T (p.Val2126=)

Gene: NF1 (neurofibromin 1; plus strand). Cytogenetic location: 17q11.2.
Variant type: single nucleotide variant.
Coding change: c.6378C>T on transcript NM_001042492.3 (MANE Select); coding-DNA position 6378, C replaced by T.
Protein change: p.Val2126=; no amino-acid change (valine 2126 retained).
Molecular consequence: synonymous variant.
Genome position (GRCh38, 1-based): chr17:31,336,865, C>T. VCF-style: chr17-31336865-C-T. GRCh37 (hg19) VCF-style: chr17-29663883-C-T.
Other names: c.6315C>T, p.Val2105= (NM_000267.4).
Identifiers: ClinVar variation 412969 (VCV000412969.17), dbSNP rs760941036, ClinGen allele CA8487339.
Genomic context (GRCh38, chr17:31,336,865, plus strand): 5'-TGTTACTTTCTTAGTAGCCACAGGTCCGCTCTCCCTTAGAGCTTCCACACATGGACTGGT[C>T]ATTAATATCATTCACTCTCTGTGTACTTGTTCACAGCTTCATTTTAGTGGTAAGTTCTAG-3'
Protein context (NP_001035957.1, residues 2116-2136): LSLRASTHGL[Val2126=]INIIHSLCTC

ClinVar aggregate classification (germline): Likely benign. Review status: criteria provided, multiple submitters, no conflicts (2 of 4 stars). 6 submissions from 6 submitters: Likely benign (6). Last evaluated 2025-12-29.

Conditions:
Hereditary cancer-predisposing syndrome. Also called: Neoplastic Syndromes, Hereditary; Tumor predisposition; Hereditary Cancer Syndrome; Hereditary neoplastic syndrome. Identifiers: Orphanet 140162, MedGen C0027672, MeSH D009386, MONDO:0015356.
Neurofibromatosis, familial spinal (FSNF). Identifiers: Orphanet 636, MedGen C1834235, MONDO:0008078, OMIM 162210. Disease mechanism: loss of function.
Neurofibromatosis, type 1 (NF1). Also called: VON RECKLINGHAUSEN DISEASE; NEUROFIBROMATOSIS, TYPE I, SOMATIC; Peripheral type neurofibromatosis; Neurofibromatosis, type I. Identifiers: Orphanet 636, MedGen C0027831, MONDO:0018975, OMIM 162200. Disease mechanism: loss of function.

Allele frequency attached by ClinVar (database versions not stated): gnomAD exomes 0.00001 and 0.00002; ExAC 0.00002.
gnomAD v4.1: 21 of 1,613,310 alleles (0.0013%); highest among the groups gnomAD compares: South Asian, 0.022%; no homozygotes.

Submissions (6):

Labcorp Genetics (formerly Invitae), Labcorp
Classification: Likely benign for Neurofibromatosis, type 1. Last evaluated: 2025-12-29. Review status: criteria provided, single submitter. Criteria: Invitae Variant Classification Sherloc (09022015). Collection method: clinical testing. Allele origin: germline.

Blueprint Genetics
Classification: Likely benign. Last evaluated: 2024-08-17. Review status: criteria provided, single submitter. Criteria: ACMG Guidelines, 2015. Collection method: clinical testing. Allele origin: germline.

KCCC/NGS Laboratory, Kuwait Cancer Control Center
Classification: Likely benign for Neurofibromatosis, familial spinal. Last evaluated: 2023-07-07. Review status: criteria provided, single submitter. Criteria: ACMG Guidelines, 2015. Collection method: clinical testing. Allele origin: germline. Affected: yes.

Genome-Nilou Lab
Classification: Likely benign for Neurofibromatosis, type 1. Last evaluated: 2022-03-15. Review status: criteria provided, single submitter. Criteria: ACMG Guidelines, 2015. Collection method: clinical testing. Allele origin: germline. Affected: no.

Genome Diagnostics Laboratory, The Hospital for Sick Children
Classification: Likely benign for Neurofibromatosis, type 1. Last evaluated: 2020-10-26. Review status: criteria provided, single submitter. Criteria: ACMG Guidelines, 2015. Collection method: clinical testing. Allele origin: germline. Affected: yes.

Ambry Genetics
Classification: Likely benign for Hereditary cancer-predisposing syndrome. Last evaluated: 2016-02-19. Review status: criteria provided, single submitter. Criteria: Ambry Autosomal Dominant and X-Linked criteria (10/2015). Collection method: clinical testing. Allele origin: germline. Observed: 1 variant allele.
Comment: Synonymous alterations with insufficient evidence to classify as benign